The following is an entry in ClinVar:

ClinVar aggregate classification (germline): Uncertain significance (1 of 4 stars; one submission).

Allele frequency attached by ClinVar (database versions not stated): ExAC 0.00001; TOPMed 0.00001; gnomAD exomes 0.00002.
gnomAD v4.1: 32 of 1,613,924 alleles (0.002%); highest among the groups gnomAD compares: Non-Finnish European, 0.0027%; no homozygotes.

Submission:

Labcorp Genetics (formerly Invitae), Labcorp
Classification: Uncertain significance. Last evaluated: 2022-05-16. Review status: criteria provided, single submitter. Criteria: Invitae Variant Classification Sherloc (09022015). Collection method: clinical testing. Allele origin: germline.
Comment: This sequence change replaces arginine, which is basic and polar, with histidine, which is basic and polar, at codon 399 of the ANO6 protein (p.Arg399His). This variant is present in population databases (rs781608617, gnomAD 0.0009%). This variant has not been reported in the literature in individuals affected with ANO6-related conditions. Algorithms developed to predict the effect of missense changes on protein structure and function are either unavailable or do not agree on the potential impact of this missense change (SIFT: "Deleterious"; PolyPhen-2: "Probably Damaging"; Align-GVGD: "Class C0"). In summary, the available evidence is currently insufficient to determine the role of this variant in disease. Therefore, it has been classified as a Variant of Uncertain Significance.

NM_001025356.3(ANO6):c.1196G>A (p.Arg399His)

Gene: ANO6 (anoctamin 6; plus strand). Cytogenetic location: 12q12.
Variant type: single nucleotide variant.
Coding change: c.1196G>A on transcript NM_001025356.3 (MANE Select); coding-DNA position 1196, G replaced by A.
Protein change: p.Arg399His; replaces arginine 399 with histidine.
Molecular consequence: missense variant.
Genome position (GRCh38, 1-based): chr12:45,388,191, G>A. VCF-style: chr12-45388191-G-A. GRCh37 (hg19) VCF-style: chr12-45781974-G-A.
Other names: c.1142G>A, p.Arg381His (NM_001142678.2); c.1196G>A, p.Arg399His (NM_001142679.2); c.1259G>A, p.Arg420His (NM_001204803.2); c.1163G>A, p.Arg388His (NM_001410973.1); short protein forms R399H, R381H, R388H, R420H.
Identifiers: ClinVar variation 1965938 (VCV001965938.2), dbSNP rs781608617, ClinGen allele CA6525262.